The following is an entry in ClinVar:

NM_020778.5(ALPK3):c.3716del (p.Gly1239fs)

Gene: ALPK3 (alpha kinase 3; plus strand). Cytogenetic location: 15q25.3.
Variant type: Deletion.
Coding change: c.3716del on transcript NM_020778.5 (MANE Select); coding-DNA position 3716, one base deleted (G; older notation c.3716delG).
Protein change: p.Gly1239fs; shifts the reading frame from glycine 1239.
Molecular consequence: frameshift variant.
Genome position (GRCh38, 1-based): chr15:84,858,454, G deleted; the last of 3 consecutive G bases (chr15:84,858,452-84,858,454); deleting any one gives the same sequence. VCF-style (leftmost placement, unchanged base first): chr15-84858451-TG-T. GRCh37 (hg19) VCF-style: chr15-85401682-TG-T.
Other names: short protein forms G1239fs.
Identifiers: ClinVar variation 2709625 (VCV002709625.3), dbSNP rs1963898125, ClinGen allele CA2192392992.

ClinVar aggregate classification (germline): Pathogenic (1 of 4 stars; one submission).

Submission:

Labcorp Genetics (formerly Invitae), Labcorp
Classification: Pathogenic. Last evaluated: 2025-01-15. Review status: criteria provided, single submitter. Criteria: Invitae Variant Classification Sherloc (09022015). Collection method: clinical testing. Allele origin: germline.
Comment: This sequence change creates a premature translational stop signal (p.Gly1441Alafs*33) in the ALPK3 gene. It is expected to result in an absent or disrupted protein product. Loss-of-function variants in ALPK3 are known to be pathogenic (PMID: 21441111, 26846950, 27106955, 34263907). This variant is not present in population databases (gnomAD no frequency). This variant has not been reported in the literature in individuals affected with ALPK3-related conditions. ClinVar contains an entry for this variant (Variation ID: 2709625). For these reasons, this variant has been classified as Pathogenic.

Literature cited by the submitters: PubMed 21441111; PubMed 26846950; PubMed 27106955; PubMed 34263907.